The following is an entry in ClinVar:

ClinVar aggregate classification (germline): Conflicting classifications of pathogenicity. Review status: criteria provided, conflicting classifications (1 of 4 stars). 9 submissions from 5 submitters: Uncertain significance (3); Benign (4); Likely benign (2). Last evaluated 2026-01-27.

Conditions:
Autosomal recessive limb-girdle muscular dystrophy type 2J (LGMDR10). Also called: MUSCULAR DYSTROPHY, LIMB-GIRDLE, AUTOSOMAL RECESSIVE 10; Limb-girdle muscular dystrophy, type 2J. Identifiers: Orphanet 140922, MedGen C1837342, MONDO:0012127, OMIM 608807.
Dilated cardiomyopathy 1G (CMD1G). Identifiers: Orphanet 154, MedGen C1858763, MONDO:0011400, OMIM 604145.
Tibial muscular dystrophy (TMD). Also called: Udd Distal Myopathy – Tibial Muscular Dystrophy; UDD MYOPATHY; Tibial muscular dystrophy, tardive. Identifiers: Orphanet 609, MedGen C1838244, MONDO:0010870, OMIM 600334.
Early-onset myopathy with fatal cardiomyopathy (CMYO5). Also called: CONGENITAL MYOPATHY 5 WITH CARDIOMYOPATHY; Salih Myopathy. Identifiers: Orphanet 289377, MedGen C2673677, MONDO:0012714, OMIM 611705. Disease mechanism: loss of function.
Myopathy, myofibrillar, 9, with early respiratory failure (MFM9). Also called: EDSTROM MYOPATHY; MYOPATHY, PROXIMAL, WITH EARLY RESPIRATORY MUSCLE INVOLVEMENT; Hereditary myopathy with early respiratory failure; Myopathy, distal, with early respiratory failure, autosomal dominant. Identifiers: Orphanet 178464, Orphanet 34521, MedGen C1863599, MONDO:0011362, OMIM 603689.

Allele frequency attached by ClinVar (database versions not stated): gnomAD 0.00009; gnomAD exomes 0.00012 and 0.00028; TOPMed 0.00015; ExAC 0.00022; ESP Exome Variant Server 0.00050.
gnomAD v4.1: 210 of 1,610,406 alleles (0.013%); highest among the groups gnomAD compares: Non-Finnish European, 0.0016%; no homozygotes.

Submissions (9):

Labcorp Genetics (formerly Invitae), Labcorp
Classification: Benign for Dilated cardiomyopathy 1G; Autosomal recessive limb-girdle muscular dystrophy type 2J. Last evaluated: 2026-01-27. Review status: criteria provided, single submitter. Criteria: Invitae Variant Classification Sherloc (09022015). Collection method: clinical testing. Allele origin: germline.

Women's Health and Genetics/Laboratory Corporation of America, LabCorp
Classification: Likely benign. Last evaluated: 2025-12-29. Review status: criteria provided, single submitter. Criteria: LabCorp Variant Classification Summary - May 2015. Collection method: clinical testing. Allele origin: germline.

Illumina Laboratory Services, Illumina
Classification: Uncertain significance for Early-onset myopathy with fatal cardiomyopathy. Last evaluated: 2018-01-12. Review status: criteria provided, single submitter. Criteria: ICSL Variant Classification Criteria 13 December 2019. Collection method: clinical testing. Allele origin: germline.

Illumina Laboratory Services, Illumina
Classification: Uncertain significance for Dilated cardiomyopathy 1G. Last evaluated: 2018-01-12. Review status: criteria provided, single submitter. Criteria: ICSL Variant Classification Criteria 13 December 2019. Collection method: clinical testing. Allele origin: germline.

Illumina Laboratory Services, Illumina
Classification: Benign for Tibial muscular dystrophy. Last evaluated: 2018-01-12. Review status: criteria provided, single submitter. Criteria: ICSL Variant Classification Criteria 13 December 2019. Collection method: clinical testing. Allele origin: germline.
Comment: This variant was observed in the ICSL laboratory as part of a predisposition screen in an ostensibly healthy population. It had not been previously curated by ICSL or reported in the Human Gene Mutation Database (HGMD: prior to June 1st, 2018), and was therefore a candidate for classification through an automated scoring system. Utilizing variant allele frequency, disease prevalence and penetrance estimates, and inheritance mode, an automated score was calculated to assess if this variant is too frequent to cause the disease. Based on the score and internal cut-off values, a variant classified as benign is not then subjected to further curation. The score for this variant resulted in a classification of benign for this disease.

Illumina Laboratory Services, Illumina
Classification: Benign for Myopathy, myofibrillar, 9, with early respiratory failure. Last evaluated: 2018-01-12. Review status: criteria provided, single submitter. Criteria: ICSL Variant Classification Criteria 13 December 2019. Collection method: clinical testing. Allele origin: germline.
Comment: the same text as in the submission from Illumina Laboratory Services, Illumina above.

Illumina Laboratory Services, Illumina
Classification: Uncertain significance for Autosomal recessive limb-girdle muscular dystrophy type 2J. Last evaluated: 2018-01-12. Review status: criteria provided, single submitter. Criteria: ICSL Variant Classification Criteria 13 December 2019. Collection method: clinical testing. Allele origin: germline.

GeneDx
Classification: Benign. Last evaluated: 2017-01-10. Review status: criteria provided, single submitter. Criteria: GeneDx Variant Classification (06012015). Collection method: clinical testing. Allele origin: germline. Affected: yes.
Comment: This variant is considered likely benign or benign based on one or more of the following criteria: it is a conservative change, it occurs at a poorly conserved position in the protein, it is predicted to be benign by multiple in silico algorithms, and/or has population frequency not consistent with disease.

Laboratory for Molecular Medicine, Mass General Brigham Personalized Medicine
Classification: Likely benign. Last evaluated: 2012-03-19. Review status: criteria provided, single submitter. Criteria: LMM Criteria. Collection method: clinical testing. Allele origin: germline. Observed: 1 variant allele.
Comment: c.29686+12C>A in intron 136 of TTN: This variant is not expected to have clinica l significance because it is not located within the splice consensus sequence. I t has been identified in 0.1% (5/6638) of European American chromosomes from a b road population by the NHLBI Exome Sequencing Project (. edu/EVS).

NM_001267550.2(TTN):c.33418+12C>A

Gene: TTN (titin; minus strand). Cytogenetic location: 2q31.2.
Variant type: single nucleotide variant.
Coding change: c.33418+12C>A on transcript NM_001267550.2 (MANE Select); 12 bases into the intron after coding-DNA position 33418, C replaced by A.
Molecular consequence: intron variant.
Genome position (GRCh38, 1-based): chr2:178,680,242, G>T on the plus strand (C>A on the coding strand, the complement: TTN is on the minus strand). VCF-style: chr2-178680242-G-T. GRCh37 (hg19) VCF-style: chr2-179544969-G-T.
Other names: c.13283-37925C>A (NM_003319.4); c.13859-37925C>A (NM_133437.4); c.13658-37925C>A (NM_133432.3); c.29686+12C>A (NM_133378.4); c.32467+12C>A (NM_001256850.1).
Identifiers: ClinVar variation 228084 (VCV000228084.17), dbSNP rs199772748, ClinGen allele CA1998349.